The following is an entry in ClinVar:

NM_000548.5(TSC2):c.5266G>A (p.Glu1756Lys)

Gene: TSC2 (TSC complex subunit 2; plus strand). Cytogenetic location: 16p13.3.
Variant type: single nucleotide variant.
Coding change: c.5266G>A on transcript NM_000548.5 (MANE Select); coding-DNA position 5266, G replaced by A.
Protein change: p.Glu1756Lys; replaces glutamic acid 1756 with lysine.
Molecular consequence: missense variant.
Genome position (GRCh38, 1-based): chr16:2,088,452, G>A. VCF-style: chr16-2088452-G-A. GRCh37 (hg19) VCF-style: chr16-2138453-G-A.
Other names: p.E1756K:GAG>AAG; c.5065G>A, p.Glu1689Lys (NM_001077183.3); c.5197G>A, p.Glu1733Lys (NM_001114382.3); c.4957G>A, p.Glu1653Lys (NM_001318827.2); c.4921G>A, p.Glu1641Lys (NM_001318829.2); c.4534G>A, p.Glu1512Lys (NM_001318831.2); c.5098G>A, p.Glu1700Lys (NM_001318832.2); c.5068G>A, p.Glu1690Lys (NM_001363528.2); and 4 more; short protein forms E1756K, E1653K, E1733K, E1641K, E1690K, E1713K, E1512K, E1712K.
Identifiers: ClinVar variation 207762 (VCV000207762.66), dbSNP rs375075952, ClinGen allele CA054884.

ClinVar aggregate classification (germline): Conflicting classifications of pathogenicity. Review status: criteria provided, conflicting classifications (1 of 4 stars). 11 submissions from 11 submitters: Uncertain significance (5); Likely benign (5). 1 of the submissions does not count toward it. Last evaluated 2025-12-08.

Conditions:
Lymphangiomyomatosis (LAM). Also called: Lymphangioleiomyomatosis; Lymphangioleiomyomatosis, somatic. Identifiers: Orphanet 538, MedGen C0751674, MONDO:0011705, OMIM 606690.
Isolated focal cortical dysplasia type II (FCORD2). Also called: CORTICAL DYSPLASIA OF TAYLOR; Focal cortical dysplasia type II. Identifiers: Orphanet 268994, MedGen C1846385, MONDO:0011818, OMIM 607341, HP:0032051.
Tuberous sclerosis 2 (TSC2). Identifiers: Orphanet 805, MedGen C1860707, MONDO:0013199, OMIM 613254.
TSC2-related disorder. Also called: TSC2-related condition; TSC2-Related Disorders.
Hereditary cancer-predisposing syndrome. Also called: Neoplastic Syndromes, Hereditary; Hereditary Cancer Syndrome; Tumor predisposition; Hereditary neoplastic syndrome. Identifiers: Orphanet 140162, MedGen C0027672, MeSH D009386, MONDO:0015356.
Tuberous sclerosis syndrome (TSC). Also called: Tuberous Sclerosis Complex; Tuberous sclerosis. Identifiers: Orphanet 805, MedGen C0041341, MONDO:0001734.

Allele frequency attached by ClinVar (database versions not stated): gnomAD exomes 0.00001 and 0.00002; ExAC 0.00002; TOPMed 0.00002; gnomAD 0.00003; ESP Exome Variant Server 0.00008.
gnomAD v4.1: 14 of 1,612,638 alleles (0.00087%); highest among the groups gnomAD compares: Admixed American, 0.0067%; no homozygotes.

Submissions (11):

Labcorp Genetics (formerly Invitae), Labcorp
Classification: Likely benign for Tuberous sclerosis 2. Last evaluated: 2025-12-08. Review status: criteria provided, single submitter. Criteria: Invitae Variant Classification Sherloc (09022015). Collection method: clinical testing. Allele origin: germline.

Quest Diagnostics Nichols Institute San Juan Capistrano
Classification: Uncertain significance. Last evaluated: 2025-10-18. Review status: criteria provided, single submitter. Criteria: Quest Diagnostics criteria. Collection method: clinical testing. Allele origin: unknown.

St. Jude Molecular Pathology, St. Jude Children's Research Hospital
Classification: Uncertain significance for Tuberous sclerosis 2. Last evaluated: 2025-06-17. Review status: criteria provided, single submitter. Criteria: St. Jude Assertion Criteria 2020. Collection method: clinical testing. Allele origin: germline.
Comment: The TSC2 c.5266G>A p.(Glu1756Lys) missense change has a maximum subpopulation frequency of 0.009% in gnomAD v2.1.1. The in silico tool REVEL predicts a deleterious effect on protein function, but to our knowledge this prediction has not been confirmed by functional studies. This variant has been reported in individuals with clinical features associated with tuberous sclerosis complex (PMID: 29740858, 29778030). In summary, the evidence currently available is insufficient to determine the clinical significance of this variant. It has therefore been classified as of uncertain significance.

Fulgent Genetics
Classification: Likely benign for Lymphangiomyomatosis; Isolated focal cortical dysplasia type II; Tuberous sclerosis 2. Last evaluated: 2024-02-09. Review status: criteria provided, single submitter. Criteria: ACMG Guidelines, 2015. Collection method: clinical testing. Allele origin: germline.

All of Us Research Program, National Institutes of Health
Classification: Uncertain significance for Tuberous sclerosis syndrome. Last evaluated: 2023-11-30. Review status: criteria provided, single submitter. Criteria: ACMG Guidelines, 2015. Collection method: clinical testing. Allele origin: germline. Inheritance: Autosomal dominant inheritance. Observed: 9 variant alleles, 9 heterozygotes.
Comment: This missense variant replaces glutamic acid with lysine at codon 1756 of the TSC2 protein. Computational prediction suggests that this variant may have deleterious impact on protein structure and function (internally defined REVEL score threshold >= 0.7, PMID: 27666373). To our knowledge, functional studies have not been reported for this variant. This variant has been reported in two patients with a suspected diagnosis of tuberous sclerosis (PMID: 29778030, 29740858). This variant has been identified in 6/250172 chromosomes in the general population by the Genome Aggregation Database (gnomAD). The available evidence is insufficient to determine the role of this variant in disease conclusively. Therefore, this variant is classified as a Variant of Uncertain Significance.

This study involves interpretation of variants in research participants for the purpose of population health screening. Participant phenotype was not available at the time of variant classification. Additional details can be found in publication PMID: 35346344, PMCID: PMC8962531

Ambry Genetics
Classification: Likely benign for Hereditary cancer-predisposing syndrome. Last evaluated: 2022-08-09. Review status: criteria provided, single submitter. Criteria: Ambry Variant Classification Scheme 2023. Collection method: clinical testing. Allele origin: germline.

Genome-Nilou Lab
Classification: Likely benign for Tuberous sclerosis 2. Last evaluated: 2021-11-07. Review status: criteria provided, single submitter. Criteria: ACMG Guidelines, 2015. Collection method: clinical testing. Allele origin: germline. Affected: no.

Sema4
Classification: Uncertain significance for Hereditary cancer-predisposing syndrome. Last evaluated: 2021-08-19. Review status: criteria provided, single submitter. Criteria: Sema4 Curation Guidelines. Collection method: curation. Allele origin: germline.
Comment: The TSC2 c.5266G>A (p.E1756K) variant has been reported in two individuals with a diagnosis or suspected diagnosis of tuberous sclerosis and in an individual with acute lymphocytic leukemia (PMID: 29740858, 29778030, 26580448). It was observed in 3/34572 chromosomes of the Latino subpopulation in the large and broad cohorts of the Genome Aggregation Database (PMID: 32461654). The variant has been reported in ClinVar (Variation ID 207762). In silico tools suggest the impact of the variant on protein function is deleterious, though these predictions have not been confirmed by published functional studies. The evidence is insufficient to meet ACMG/AMP criteria for classifying the variant as benign or pathogenic. Thus, the clinical significance of this variant is currently uncertain.

GeneDx
Classification: Likely benign. Last evaluated: 2020-07-13. Review status: criteria provided, single submitter. Criteria: GeneDx Variant Classification Process June 2021. Collection method: clinical testing. Allele origin: germline. Affected: yes.
Comment: This variant is associated with the following publications: (PMID: 29778030, 29740858)

Athena Diagnostics
Classification: Uncertain significance. Last evaluated: 2018-03-14. Review status: criteria provided, single submitter. Criteria: Athena Diagnostics Criteria. Collection method: clinical testing. Allele origin: germline.

PreventionGenetics, part of Exact Sciences
Classification: Uncertain significance for TSC2-related condition. Last evaluated: 2024-05-02. Review status: no assertion criteria provided. Collection method: clinical testing. Allele origin: germline. Not counted in ClinVar's aggregate classification.
Comment: The TSC2 c.5266G>A variant is predicted to result in the amino acid substitution p.Glu1756Lys. This variant has been reported in individuals with clinical features consistent with tuberous sclerosis and in individuals with premature ovarian insufficiency (Zheng et al. 2018. PubMed ID: 29740858; Hesse et al. 2018. PubMed ID: 29778030; Xu et al. 2022. PubMed ID: 36229297). In vitro experimental studies showed conflicted functional evidence regarding its effect on protein function (Xu et al. 2022. PubMed ID: 36229297). This variant is reported in 0.0087% of alleles in individuals of Latino descent in gnomAD (v2), including 14 heterozygotes in the most recent release of gnomAD (v4). Although we suspect that this variant may be benign, at this time, the clinical significance of this variant is uncertain due to the absence of conclusive functional and genetic evidence.

Literature cited by the submitters: PubMed 29740858 (cited by 3 submitters); PubMed 29778030 (cited by 3 submitters); PubMed 26580448 (cited by Sema4).